The following is an entry in ClinVar:

ClinVar aggregate classification (germline): Uncertain significance. Review status: criteria provided, multiple submitters, no conflicts (2 of 4 stars). 2 submissions from 2 submitters: Uncertain significance (2). Last evaluated 2021-07-29.

Conditions:
Hereditary nonpolyposis colorectal neoplasms. Identifiers: MedGen C0009405, MeSH D003123.
Hereditary cancer-predisposing syndrome. Also called: Neoplastic Syndromes, Hereditary; Tumor predisposition; Hereditary Cancer Syndrome; Hereditary neoplastic syndrome. Identifiers: Orphanet 140162, MedGen C0027672, MeSH D009386, MONDO:0015356.

Submissions (2):

Labcorp Genetics (formerly Invitae), Labcorp
Classification: Uncertain significance for Hereditary nonpolyposis colorectal neoplasms. Last evaluated: 2021-07-29. Review status: criteria provided, single submitter. Criteria: Invitae Variant Classification Sherloc (09022015). Collection method: clinical testing. Allele origin: germline.
Comment: This variant disrupts the p.Thr767 amino acid residue in MSH6. Other variant(s) that disrupt this residue have been determined to be pathogenic (PMID: 29755653, 31100584, 31965077). This suggests that this residue is clinically significant, and that variants that disrupt this residue are likely to be disease-causing. In summary, the available evidence is currently insufficient to determine the role of this variant in disease. Therefore, it has been classified as a Variant of Uncertain Significance. Advanced modeling of protein sequence and biophysical properties (such as structural, functional, and spatial information, amino acid conservation, physicochemical variation, residue mobility, and thermodynamic stability) performed at Invitae indicates that this missense variant is expected to disrupt MSH6 protein function. ClinVar contains an entry for this variant (Variation ID: 525594). This variant has not been reported in the literature in individuals affected with MSH6-related conditions. This variant is not present in population databases (ExAC no frequency). This sequence change replaces threonine with alanine at codon 767 of the MSH6 protein (p.Thr767Ala). The threonine residue is highly conserved and there is a small physicochemical difference between threonine and alanine.

Ambry Genetics
Classification: Uncertain significance for Hereditary cancer-predisposing syndrome. Last evaluated: 2021-07-21. Review status: criteria provided, single submitter. Criteria: Ambry Variant Classification Scheme 2023. Collection method: clinical testing. Allele origin: germline.
Comment: The p.T767A variant (also known as c.2299A>G), located in coding exon 4 of the MSH6 gene, results from an A to G substitution at nucleotide position 2299. The threonine at codon 767 is replaced by alanine, an amino acid with similar properties. This amino acid position is highly conserved in available vertebrate species. In addition, this alteration is predicted to be deleterious by in silico analysis. Since supporting evidence is limited at this time, the clinical significance of this alteration remains unclear.

Literature cited by the submitters: PubMed 29755653 (cited by Labcorp Genetics (formerly Invitae), Labcorp); PubMed 31100584 (cited by Labcorp Genetics (formerly Invitae), Labcorp); PubMed 31965077 (cited by Labcorp Genetics (formerly Invitae), Labcorp).

NM_000179.3(MSH6):c.2299A>G (p.Thr767Ala)

Gene: MSH6 (mutS homolog 6; plus strand). Cytogenetic location: 2p16.3.
Variant type: single nucleotide variant.
Coding change: c.2299A>G on transcript NM_000179.3 (MANE Select); coding-DNA position 2299, A replaced by G.
Protein change: p.Thr767Ala; replaces threonine 767 with alanine.
Molecular consequence: missense variant.
Genome position (GRCh38, 1-based): chr2:47,800,282, A>G. VCF-style: chr2-47800282-A-G. GRCh37 (hg19) VCF-style: chr2-48027421-A-G.
Other names: c.1909A>G, p.Thr637Ala (NM_001281492.2); c.1393A>G, p.Thr465Ala (NM_001281493.2, NM_001281494.2); short protein forms T767A, T465A, T637A.
Identifiers: ClinVar variation 525594 (VCV000525594.11), dbSNP rs774452933, ClinGen allele CA346753020.